The following is an entry in ClinVar:

NM_001267550.2(TTN):c.101590A>G (p.Ile33864Val)

Genes: TTN (titin; minus strand), TTN-AS1 (TTN antisense RNA 1; plus strand). Cytogenetic location: 2q31.2.
Variant type: single nucleotide variant.
Coding change: c.101590A>G on transcript NM_001267550.2 (MANE Select); coding-DNA position 101590, A replaced by G.
Protein change: p.Ile33864Val; replaces isoleucine 33864 with valine.
Molecular consequence: missense variant.
Genome position (GRCh38, 1-based): chr2:178,535,025, T>C on the plus strand (A>G on the coding strand, the complement: TTN is on the minus strand). VCF-style: chr2-178535025-T-C. GRCh37 (hg19) VCF-style: chr2-179399752-T-C.
Other names: c.96667A>G, p.Ile32223Val (NM_001256850.1); c.74395A>G, p.Ile24799Val (NM_003319.4); c.93886A>G, p.Ile31296Val (NM_133378.4); c.74770A>G, p.Ile24924Val (NM_133432.3); c.74971A>G, p.Ile24991Val (NM_133437.4); short protein forms I24991V, I32223V, I24799V, I31296V, I33864V, I24924V.
Identifiers: ClinVar variation 1956376 (VCV001956376.5), dbSNP rs2468558949, ClinGen allele CA349420307.

ClinVar aggregate classification (germline): Uncertain significance (1 of 4 stars; one submission).

Conditions:
Autosomal recessive limb-girdle muscular dystrophy type 2J (LGMDR10). Also called: Limb-girdle muscular dystrophy, type 2J; MUSCULAR DYSTROPHY, LIMB-GIRDLE, AUTOSOMAL RECESSIVE 10. Identifiers: Orphanet 140922, MedGen C1837342, MONDO:0012127, OMIM 608807.
Dilated cardiomyopathy 1G (CMD1G). Identifiers: Orphanet 154, MedGen C1858763, MONDO:0011400, OMIM 604145.

Allele frequency attached by ClinVar (database versions not stated): gnomAD exomes below 0.00001.
gnomAD v4.1: 3 of 1,613,846 alleles (0.00019%); highest among the groups gnomAD compares: Non-Finnish European, 0.00025%; no homozygotes.

Submission:

Labcorp Genetics (formerly Invitae), Labcorp
Classification: Uncertain significance for Dilated cardiomyopathy 1G; Autosomal recessive limb-girdle muscular dystrophy type 2J. Last evaluated: 2022-09-15. Review status: criteria provided, single submitter. Criteria: Invitae Variant Classification Sherloc (09022015). Collection method: clinical testing. Allele origin: germline.
Comment: This variant has not been reported in the literature in individuals affected with TTN-related conditions. This sequence change replaces isoleucine, which is neutral and non-polar, with valine, which is neutral and non-polar, at codon 33864 of the TTN protein (p.Ile33864Val). This variant is not present in population databases (gnomAD no frequency). Experimental studies and prediction algorithms are not available or were not evaluated, and the functional significance of this variant is currently unknown. This variant is located in the M band of TTN (PMID: 25589632). Variants in this region may be relevant for neuromuscular disorders, but have not been definitively shown to cause cardiomyopathy (PMID: 23975875). In summary, the available evidence is currently insufficient to determine the role of this variant in disease. Therefore, it has been classified as a Variant of Uncertain Significance.

Literature cited by the submitters: PubMed 25589632; PubMed 23975875.